The following is an entry in ClinVar:

ClinVar aggregate classification (germline): Uncertain significance. Review status: criteria provided, multiple submitters, no conflicts (2 of 4 stars). 3 submissions from 3 submitters: Uncertain significance (2). 1 of the submissions does not count toward it. Last evaluated 2022-05-14.

Conditions:
Alstrom syndrome (ALMS). Identifiers: Orphanet 64, MedGen C0268425, MONDO:0008763, OMIM 203800.

Submissions (3):

Labcorp Genetics (formerly Invitae), Labcorp
Classification: Uncertain significance for Alstrom syndrome. Last evaluated: 2022-05-14. Review status: criteria provided, single submitter. Criteria: Invitae Variant Classification Sherloc (09022015). Collection method: clinical testing. Allele origin: germline.
Comment: This sequence change replaces proline, which is neutral and non-polar, with leucine, which is neutral and non-polar, at codon 1912 of the ALMS1 protein (p.Pro1912Leu). This variant is not present in population databases (gnomAD no frequency). This variant has not been reported in the literature in individuals affected with ALMS1-related conditions. ClinVar contains an entry for this variant (Variation ID: 838876). Algorithms developed to predict the effect of missense changes on protein structure and function output the following: SIFT: "Not Available"; PolyPhen-2: "Not Available"; Align-GVGD: "Not Available". The leucine amino acid residue is found in multiple mammalian species, which suggests that this missense change does not adversely affect protein function. In summary, the available evidence is currently insufficient to determine the role of this variant in disease. Therefore, it has been classified as a Variant of Uncertain Significance.

Blueprint Genetics
Classification: Uncertain significance. Last evaluated: 2021-12-03. Review status: criteria provided, single submitter. Criteria: ACMG Guidelines, 2015. Collection method: clinical testing. Allele origin: germline.

Natera, Inc.
Classification: Uncertain significance for Alstrom syndrome. Last evaluated: 2021-09-22. Review status: no assertion criteria provided. Collection method: clinical testing. Allele origin: germline. Not counted in ClinVar's aggregate classification.

NM_001378454.1(ALMS1):c.5732C>T (p.Pro1911Leu)

Gene: ALMS1 (ALMS1 centrosome and basal body associated protein; plus strand). Cytogenetic location: 2p13.1.
Variant type: single nucleotide variant.
Coding change: c.5732C>T on transcript NM_001378454.1 (MANE Select); coding-DNA position 5732, C replaced by T.
Protein change: p.Pro1911Leu; replaces proline 1911 with leucine.
Molecular consequence: missense variant.
Genome position (GRCh38, 1-based): chr2:73,452,259, C>T. VCF-style: chr2-73452259-C-T. GRCh37 (hg19) VCF-style: chr2-73679386-C-T.
Other names: c.5735C>T, p.Pro1912Leu (NM_015120.4); short protein forms P1911L, P1912L.
Identifiers: ClinVar variation 838876 (VCV000838876.10), dbSNP rs1671960359, ClinGen allele CA347283132.